The following is an entry in ClinVar:

ClinVar aggregate classification (germline): Likely pathogenic (1 of 4 stars; one submission).

Conditions:
Cardiomyopathy, dilated, 2j. Identifiers: MedGen C5882725, MONDO:0957984, OMIM 620635.

Submission:

3billion
Classification: Likely pathogenic for Cardiomyopathy, dilated, 2j. Last evaluated: 2025-07-16. Review status: criteria provided, single submitter. Criteria: ACMG Guidelines, 2015. Collection method: clinical testing. Allele origin: germline. Affected: yes.
Comment: The variant is not observed in the gnomAD v4.1.0 dataset. Predicted Consequence/Location: Frameshift: predicted to result in a loss or disruption of normal protein function through nonsense-mediated decay (NMD) or protein truncation. Multiple pathogenic variants are reported downstream of the variant. Therefore, this variant is classified as Likely pathogenic according to the recommendation of ACMG/AMP guideline.

NM_002018.4(FLII):c.2783del (p.Phe928fs)

Gene: FLII (FLII actin remodeling protein; minus strand). Cytogenetic location: 17p11.2.
Variant type: Deletion.
Coding change: c.2783del on transcript NM_002018.4 (MANE Select); coding-DNA position 2783, one base deleted (T; older notation c.2783delT).
Protein change: p.Phe928fs; shifts the reading frame from phenylalanine 928.
Molecular consequence: frameshift variant.
Genome position (GRCh38, 1-based): chr17:18,246,946, A deleted on the plus strand (T on the coding strand, the reverse complement: FLII is on the minus strand); the first of 2 consecutive A bases (chr17:18,246,946-18,246,947); deleting either gives the same sequence. VCF-style (leftmost placement, unchanged base first): chr17-18246945-GA-G. GRCh37 (hg19) VCF-style: chr17-18150259-GA-G.
Other names: c.2750del, p.Phe917fs (NM_001256264.2); c.2618del, p.Phe873fs (NM_001256265.2); short protein forms F873fs, F917fs, F928fs.
Identifiers: ClinVar variation 4855655 (VCV004855655.1).